The following is an entry in ClinVar:

ClinVar aggregate classification (germline): Benign/Likely benign. Review status: criteria provided, multiple submitters, no conflicts (2 of 4 stars). 3 submissions from 3 submitters: Benign (1); Likely benign (2). Last evaluated 2025-12-03.

Conditions:
Hereditary cancer-predisposing syndrome. Also called: Tumor predisposition; Neoplastic Syndromes, Hereditary; Hereditary neoplastic syndrome; Hereditary Cancer Syndrome. Identifiers: Orphanet 140162, MedGen C0027672, MeSH D009386, MONDO:0015356.
Renal cell carcinoma. Identifiers: Orphanet 217071, MedGen C0007134, MeSH D002292, MONDO:0005086, HP:0005584.
Papillary renal cell carcinoma type 1 (RCCP1). Also called: RENAL CELL CARCINOMA, PAPILLARY, 1, SOMATIC; Renal adenocarcinoma; Renal cell carcinoma 1; Renal cell carcinoma, somatic. Identifiers: Orphanet 47044, MedGen C1336839, OMIM 605074, HP:0011797.

Allele frequency attached by ClinVar (database versions not stated): gnomAD exomes below 0.00001; TOPMed 0.00001; gnomAD 0.00002.
gnomAD v4.1: 10 of 1,613,698 alleles (0.00062%); highest among the groups gnomAD compares: South Asian, 0.0011%; no homozygotes.

Submissions (3):

Labcorp Genetics (formerly Invitae), Labcorp
Classification: Likely benign for Renal cell carcinoma. Last evaluated: 2025-12-03. Review status: criteria provided, single submitter. Criteria: Invitae Variant Classification Sherloc (09022015). Collection method: clinical testing. Allele origin: germline.

Myriad Genetics, Inc.
Classification: Benign for Papillary renal cell carcinoma type 1. Last evaluated: 2024-11-11. Review status: criteria provided, single submitter. Criteria: Myriad Autosomal Dominant, Autosomal Recessive and X-Linked Classification Criteria (2023). Collection method: clinical testing. Allele origin: unknown.
Comment: This variant is considered benign. This variant is a silent/synonymous amino acid change and it is not expected to impact splicing.

Ambry Genetics
Classification: Likely benign for Hereditary cancer-predisposing syndrome. Last evaluated: 2018-09-29. Review status: criteria provided, single submitter. Criteria: Ambry Variant Classification Scheme 2023. Collection method: clinical testing. Allele origin: germline.

NM_000245.4(MET):c.2562T>C (p.Asn854=)

Gene: MET (MET proto-oncogene, receptor tyrosine kinase; plus strand). Cytogenetic location: 7q31.2.
Variant type: single nucleotide variant.
Coding change: c.2562T>C on transcript NM_000245.4 (MANE Select); coding-DNA position 2562, T replaced by C.
Protein change: p.Asn854=; no amino-acid change (asparagine 854 retained).
Molecular consequence: synonymous variant.
Genome position (GRCh38, 1-based): chr7:116,763,247, T>C. VCF-style: chr7-116763247-T-C. GRCh37 (hg19) VCF-style: chr7-116403301-T-C.
Other names: c.2616T>C, p.Asn872= (NM_001127500.3); c.2562T>C, p.Asn854= (NM_001324401.3); c.1272T>C, p.Asn424= (NM_001324402.2).
Identifiers: ClinVar variation 416945 (VCV000416945.17), dbSNP rs1060504946, ClinGen allele CA16612002.